The following is an entry in ClinVar:

ClinVar aggregate classification (germline): Likely benign (0 of 4 stars; one submission).

Conditions:
TSEN15-related disorder. Also called: TSEN15-related condition.

Allele frequency attached by ClinVar (database versions not stated): ESP Exome Variant Server 0.00034; 1000 Genomes Project 0.00060; gnomAD 0.00060; 1000 Genomes Project 30x 0.00062; TOPMed 0.00073.
gnomAD v4.1: 191 of 1,532,204 alleles (0.012%); highest among the groups gnomAD compares: African/African-American, 0.25%; no homozygotes.

Submission:

PreventionGenetics, part of Exact Sciences
Classification: Likely benign for TSEN15-related condition. Last evaluated: 2022-10-11. Review status: no assertion criteria provided. Collection method: clinical testing. Allele origin: germline.
Comment: This variant is classified as likely benign based on ACMG/AMP sequence variant interpretation guidelines (Richards et al. 2015 PMID: 25741868, with internal and published modifications).

NM_052965.4(TSEN15):c.46C>A (p.Leu16Met)

Genes: TSEN15 (tRNA splicing endonuclease subunit 15; plus strand), LOC112577522 (Sharpr-MPRA regulatory region 13835; plus strand). Cytogenetic location: 1q25.3.
Variant type: single nucleotide variant.
Coding change: c.46C>A on transcript NM_052965.4 (MANE Select); coding-DNA position 46, C replaced by A.
Protein change: p.Leu16Met; replaces leucine 16 with methionine.
Molecular consequence: missense variant. On other transcripts: non-coding transcript variant (2).
Genome position (GRCh38, 1-based): chr1:184,051,801, C>A. VCF-style: chr1-184051801-C-A. GRCh37 (hg19) VCF-style: chr1-184020935-C-A.
Other names: c.46C>A, p.Leu16Met (NM_001127394.4, NM_001300764.2, NM_001300766.2 and 1 more transcripts); short protein forms L16M.
Identifiers: ClinVar variation 3057340 (VCV003057340.2), dbSNP rs199604629, ClinGen allele CA1286738.
Genomic context (GRCh38, chr1:184,051,801, plus strand): 5'-GCCGCACCGGCCGGCATGGAGGAGCGCGGCGATTCCGAGCCGACCCCCGGCTGCAGCGGC[C>A]TGGGTCCGGGCGGTGTTCGCGGCTTTGGCGACGGCGGTGGAGCTCCTTCGTGGGCCCCTG-3'
Protein context (NP_443197.1, residues 6-26): DSEPTPGCSG[Leu16Met]GPGGVRGFGD